The following is an entry in ClinVar:

ClinVar aggregate classification (germline): Uncertain significance. Review status: criteria provided, single submitter (1 of 4 stars). 2 submissions from 2 submitters: Uncertain significance (1). 1 of the submissions does not count toward it. Last evaluated 2024-10-29.

Conditions:
Dyskeratosis congenita, autosomal recessive 5 (DKCB5). Identifiers: MedGen C3554656, MONDO:0014076, OMIM 615190.
Pulmonary fibrosis and/or bone marrow failure, Telomere-related, 3. Also called: PULMONARY FIBROSIS AND/OR BONE MARROW FAILURE SYNDROME, TELOMERE-RELATED, 3. Identifiers: Orphanet 2032, MedGen C4225346, MONDO:0014613, OMIM 616373.
Dyskeratosis congenita. Identifiers: Orphanet 1775, MedGen C0265965, MONDO:0015780.

gnomAD v4.1: 8 of 1,612,402 alleles (0.0005%); highest among the groups gnomAD compares: Non-Finnish European, 0.00068%; no homozygotes.

Submissions (2):

Labcorp Genetics (formerly Invitae), Labcorp
Classification: Uncertain significance for Dyskeratosis congenita, autosomal recessive 5; Pulmonary fibrosis and/or bone marrow failure, Telomere-related, 3. Last evaluated: 2024-10-29. Review status: criteria provided, single submitter. Criteria: Invitae Variant Classification Sherloc (09022015). Collection method: clinical testing. Allele origin: germline.
Comment: This sequence change replaces threonine, which is neutral and polar, with arginine, which is basic and polar, at codon 1131 of the RTEL1 protein (p.Thr1131Arg). This variant is present in population databases (rs372852392, gnomAD 0.0009%). This variant has not been reported in the literature in individuals affected with RTEL1-related conditions. ClinVar contains an entry for this variant (Variation ID: 846579). An algorithm developed to predict the effect of missense changes on protein structure and function (PolyPhen-2) suggests that this variant is likely to be disruptive. In summary, the available evidence is currently insufficient to determine the role of this variant in disease. Therefore, it has been classified as a Variant of Uncertain Significance.

Natera, Inc.
Classification: Uncertain significance for Dyskeratosis congenita. Last evaluated: 2021-02-07. Review status: no assertion criteria provided. Collection method: clinical testing. Allele origin: germline. Not counted in ClinVar's aggregate classification.

NM_001283009.2(RTEL1):c.3392C>G (p.Thr1131Arg)

Genes: RTEL1 (regulator of telomere elongation helicase 1; plus strand), RTEL1-TNFRSF6B (RTEL1-TNFRSF6B readthrough (NMD candidate); plus strand). Cytogenetic location: 20q13.33.
Variant type: single nucleotide variant.
Coding change: c.3392C>G on transcript NM_001283009.2 (MANE Select); coding-DNA position 3392, C replaced by G.
Protein change: p.Thr1131Arg; replaces threonine 1131 with arginine.
Molecular consequence: missense variant. On other transcripts: non-coding transcript variant (1).
Genome position (GRCh38, 1-based): chr20:63,695,114, C>G. VCF-style: chr20-63695114-C-G. GRCh37 (hg19) VCF-style: chr20-62326467-C-G.
Other names: c.2723C>G, p.Thr908Arg (NM_001283010.1); c.3392C>G, p.Thr1131Arg (NM_016434.4); c.3464C>G, p.Thr1155Arg (NM_032957.5); short protein forms T1131R, T908R, T1155R.
Identifiers: ClinVar variation 846579 (VCV000846579.10), dbSNP rs372852392, ClinGen allele CA9966013.
Genomic context (GRCh38, chr20:63,695,114, plus strand): 5'-AGCTCCCCGCAGGGTTCAGCATGTTTGTGCGTCCACACCACAAGCAGCGCTTCTCACAGA[C>G]GTGCACAGACCTGACCGGCCGGCCCTACCCGGGCATGGAGCCACCGGGACCCCAGGAGGA-3'
Protein context (NP_001269938.1, residues 1121-1141): RPHHKQRFSQ[Thr1131Arg]CTDLTGRPYP